The following is an entry in ClinVar:

ClinVar aggregate classification (germline): Conflicting classifications of pathogenicity. Review status: criteria provided, conflicting classifications (1 of 4 stars). 3 submissions from 2 submitters: Uncertain significance (2); Benign (1). Last evaluated 2024-05-02.

Conditions:
Familial hyperthyroidism due to mutations in TSH receptor. Also called: HYPERTHYROIDISM, CONGENITAL NONAUTOIMMUNE; HYPERTHYROIDISM, NONAUTOIMMUNE, AUTOSOMAL DOMINANT; TOXIC THYROID HYPERPLASIA, AUTOSOMAL DOMINANT. Identifiers: Orphanet 424, MedGen C1836706, MONDO:0012203, OMIM 609152.
Hypothyroidism due to TSH receptor mutations. Also called: Hypothyroidism, congenital, nongoitrous, 1; HYPOTHYROIDISM DUE TO UNRESPONSIVENESS TO THYROTROPIN; HYPOTHYROIDISM, CONGENITAL, DUE TO TSH RESISTANCE; HYPOTHYROIDISM, NONAUTOIMMUNE; THYROID-STIMULATING HORMONE, RESISTANCE TO; TSH RESISTANCE. Identifiers: Orphanet 90673, MedGen C3493776, MONDO:0010142, OMIM 275200.

Allele frequency attached by ClinVar (database versions not stated): gnomAD exomes 0.00001 and 0.00002; ExAC 0.00002.
gnomAD v4.1: 20 of 1,613,384 alleles (0.0012%); highest among the groups gnomAD compares: East Asian, 0.042%; no homozygotes.

Submissions (3):

Women's Health and Genetics/Laboratory Corporation of America, LabCorp
Classification: Uncertain significance. Last evaluated: 2024-05-02. Review status: criteria provided, single submitter. Criteria: LabCorp Variant Classification Summary - May 2015. Collection method: clinical testing. Allele origin: germline.
Comment: Variant summary: TSHR c.611C>T (p.Ala204Val) results in a non-conservative amino acid change in the encoded protein sequence. Four of five in-silico tools predict a damaging effect of the variant on protein function. The variant allele was found at a frequency of 2e-05 in 250942 control chromosomes. The available data on variant occurrences in the general population are insufficient to allow any conclusion about variant significance. c.611C>T has not been reported in the literature as a heterozygous genotype (second allele not specified) predominantly in cohorts of individuals of East Asian ethnicity affected with Congenital Hypothyroidism (example, Narumi_2009, Abe_2018, Fang_2019, Wang_2020, Zhang_2021, Shin_2021, Tanaka_2020). At least one publication reports experimental evidence evaluating an impact on protein function. The most pronounced variant effect results in 50% of normal TSH binding activity (Narumi_2009). The following publications have been ascertained in the context of this evaluation (PMID: 29092890, 31356790, 19158199, 33653783, 32469330, 32425884, 34374102). ClinVar contains an entry for this variant (Variation ID: 885287). Based on the evidence outlined above, the variant was classified as uncertain significance.

Illumina Laboratory Services, Illumina
Classification: Benign for Familial hyperthyroidism due to mutations in TSH receptor. Last evaluated: 2017-05-02. Review status: criteria provided, single submitter. Criteria: ICSL Variant Classification Criteria 13 December 2019. Collection method: clinical testing. Allele origin: germline.
Comment: This variant was observed as part of a predisposition screen in an ostensibly healthy population. A literature search was performed for the gene, cDNA change, and amino acid change (where applicable). No publications were found based on this search. Allele frequency data from public databases was too high to be consistent with this variant causing disease. Therefore, this variant is classified as benign.

Illumina Laboratory Services, Illumina
Classification: Uncertain significance for Hypothyroidism due to TSH receptor mutations. Last evaluated: 2017-05-02. Review status: criteria provided, single submitter. Criteria: ICSL Variant Classification Criteria 13 December 2019. Collection method: clinical testing. Allele origin: germline.
Comment: This variant was observed as part of a predisposition screen in an ostensibly healthy population. A literature search was performed for the gene, cDNA change, and amino acid change (where applicable). Publications were found based on this search. However, the evidence from the literature, in combination with allele frequency data from public databases where available, was not sufficient to rule this variant in or out of causing disease. Therefore, this variant is classified as a variant of unknown significance.

Literature cited by the submitters: PubMed 32425884 (cited by Women's Health and Genetics/Laboratory Corporation of America, LabCorp); PubMed 32469330 (cited by Women's Health and Genetics/Laboratory Corporation of America, LabCorp); PubMed 34374102 (cited by Women's Health and Genetics/Laboratory Corporation of America, LabCorp); PubMed 29092890 (cited by Women's Health and Genetics/Laboratory Corporation of America, LabCorp); PubMed 31356790 (cited by Women's Health and Genetics/Laboratory Corporation of America, LabCorp); PubMed 19158199 (cited by Women's Health and Genetics/Laboratory Corporation of America, LabCorp and Illumina Laboratory Services, Illumina); PubMed 33653783 (cited by Women's Health and Genetics/Laboratory Corporation of America, LabCorp); PubMed 27578510 (cited by Illumina Laboratory Services, Illumina).

NM_000369.5(TSHR):c.611C>T (p.Ala204Val)

Genes: TSHR-AS1 (TSHR antisense RNA 1; minus strand), TSHR (thyroid stimulating hormone receptor; plus strand). Cytogenetic location: 14q31.1.
Variant type: single nucleotide variant.
Coding change: c.611C>T on transcript NM_000369.5 (MANE Select); coding-DNA position 611, C replaced by T.
Protein change: p.Ala204Val; replaces alanine 204 with valine.
Molecular consequence: missense variant.
Genome position (GRCh38, 1-based): chr14:81,096,704, C>T. VCF-style: chr14-81096704-C-T. GRCh37 (hg19) VCF-style: chr14-81563048-C-T.
Other names: c.611C>T, p.Ala204Val (NM_001018036.3, NM_001142626.3); short protein forms A204V.
Identifiers: ClinVar variation 885287 (VCV000885287.5), dbSNP rs760702366, ClinGen allele CA7294194.